The following is an entry in ClinVar:

NM_001365480.1(CCDC88A):c.5153C>A (p.Ser1718Tyr)

Gene: CCDC88A (coiled-coil and HOOK domain protein 88A; minus strand). Cytogenetic location: 2p16.1.
Variant type: single nucleotide variant.
Coding change: c.5153C>A on transcript NM_001365480.1 (MANE Select); coding-DNA position 5153, C replaced by A.
Protein change: p.Ser1718Tyr; replaces serine 1718 with tyrosine.
Molecular consequence: missense variant.
Genome position (GRCh38, 1-based): chr2:55,295,995, G>T on the plus strand (C>A on the coding strand, the complement: CCDC88A is on the minus strand). VCF-style: chr2-55295995-G-T. GRCh37 (hg19) VCF-style: chr2-55523131-G-T.
Other names: c.5150C>A, p.Ser1717Tyr (NM_001135597.2, NM_001254943.2); c.5069C>A, p.Ser1690Tyr (NM_018084.5); short protein forms S1690Y, S1717Y, S1718Y.
Identifiers: ClinVar variation 1499490 (VCV001499490.6), dbSNP rs2104550349, ClinGen allele CA346912088.
Genomic context (GRCh38, chr2:55,295,995, plus strand): 5'-TTTCCACTTACTGACCTGGCCAGACCACAGCTAACTGGTTTGTCTTTTCCCAAAAAGTCA[G>T]AAGAGACAGACAAACTTTTCATTACTTCATCTAAAAGATTCTCTTGACTTGAGGACTTTA-3'
Protein context (NP_001352409.1, residues 1708-1728): DEVMKSLSVS[Ser1718Tyr]DFLGKDKPVS

ClinVar aggregate classification (germline): Uncertain significance (1 of 4 stars; one submission).

Submission:

Labcorp Genetics (formerly Invitae), Labcorp
Classification: Uncertain significance. Last evaluated: 2022-11-01. Review status: criteria provided, single submitter. Criteria: Invitae Variant Classification Sherloc (09022015). Collection method: clinical testing. Allele origin: germline.
Comment: In summary, the available evidence is currently insufficient to determine the role of this variant in disease. Therefore, it has been classified as a Variant of Uncertain Significance. Algorithms developed to predict the effect of missense changes on protein structure and function are either unavailable or do not agree on the potential impact of this missense change (SIFT: "Deleterious"; PolyPhen-2: "Benign"; Align-GVGD: "Class C0"). ClinVar contains an entry for this variant (Variation ID: 1499490). This variant has not been reported in the literature in individuals affected with CCDC88A-related conditions. This variant is not present in population databases (gnomAD no frequency). This sequence change replaces serine, which is neutral and polar, with tyrosine, which is neutral and polar, at codon 1717 of the CCDC88A protein (p.Ser1717Tyr).